The following is an entry in ClinVar:

ClinVar aggregate classification (germline): Likely benign. Review status: criteria provided, multiple submitters, no conflicts (2 of 4 stars). 11 submissions from 11 submitters: Likely benign (9). 2 of the submissions do not count toward it. Last evaluated 2026-02-01.

Conditions:
Marfan syndrome (MFS). Also called: Marfan syndrome, classic; MARFAN SYNDROME, TYPE I; FBN1-Related Marfan Syndrome; Marfan syndrome type 1; Marfan's syndrome. Identifiers: Orphanet 284963, Orphanet 558, MedGen C0024796, MONDO:0007947, OMIM 154700.
Familial thoracic aortic aneurysm and aortic dissection (TAAD). Also called: Thoracic aortic aneurysms and dissections. Identifiers: Orphanet 91387, MedGen C4707243, MONDO:0019625.

Allele frequency attached by ClinVar (database versions not stated): ExAC 0.00004; gnomAD 0.00004; TOPMed 0.00005; gnomAD exomes 0.00006; 1000 Genomes Project 30x 0.00016; 1000 Genomes Project 0.00020.
gnomAD v4.1: 171 of 1,614,164 alleles (0.011%); highest among the groups gnomAD compares: Non-Finnish European, 0.014%; no homozygotes.

Submissions (11):

CeGaT Center for Human Genetics Tuebingen
Classification: Likely benign. Last evaluated: 2026-02-01. Review status: criteria provided, single submitter. Criteria: CeGaT Center For Human Genetics Tuebingen Variant Classification Criteria Version 2. Collection method: clinical testing. Allele origin: germline. Affected: yes. Observed: 2 variant alleles.
Comment: FBN1: BP4, BP7

Labcorp Genetics (formerly Invitae), Labcorp
Classification: Likely benign for Marfan syndrome; Familial thoracic aortic aneurysm and aortic dissection. Last evaluated: 2025-12-13. Review status: criteria provided, single submitter. Criteria: Invitae Variant Classification Sherloc (09022015). Collection method: clinical testing. Allele origin: germline.

Blueprint Genetics
Classification: Likely benign. Last evaluated: 2024-11-06. Review status: criteria provided, single submitter. Criteria: ACMG Guidelines, 2015. Collection method: clinical testing. Allele origin: germline.

All of Us Research Program, National Institutes of Health
Classification: Likely benign for Marfan syndrome. Last evaluated: 2024-02-05. Review status: criteria provided, single submitter. Criteria: ACMG Guidelines, 2015. Collection method: clinical testing. Allele origin: germline. Inheritance: Autosomal dominant inheritance. Observed: 14 variant alleles, 14 heterozygotes.
Comment: This study involves interpretation of variants in research participants for the purpose of population health screening. Participant phenotype was not available at the time of variant classification. Additional details can be found in publication PMID: 35346344, PMCID: PMC8962531

GeneDx
Classification: Likely benign. Last evaluated: 2021-03-30. Review status: criteria provided, single submitter. Criteria: GeneDx Variant Classification (06012015). Collection method: clinical testing. Allele origin: germline. Affected: yes.

Women's Health and Genetics/Laboratory Corporation of America, LabCorp
Classification: Likely benign. Last evaluated: 2020-01-06. Review status: criteria provided, single submitter. Criteria: LabCorp Variant Classification Summary - May 2015. Collection method: clinical testing. Allele origin: germline.

Color Diagnostics, LLC DBA Color Health
Classification: Likely benign for Familial thoracic aortic aneurysm and aortic dissection. Last evaluated: 2018-10-18. Review status: criteria provided, single submitter. Criteria: ACMG Guidelines, 2015. Collection method: clinical testing. Allele origin: germline.

Ambry Genetics
Classification: Likely benign for Familial thoracic aortic aneurysm and aortic dissection. Last evaluated: 2018-09-07. Review status: criteria provided, single submitter. Criteria: Ambry Variant Classification Scheme 2023. Collection method: clinical testing. Allele origin: germline.

CHEO Genetics Diagnostic Laboratory, Children's Hospital of Eastern Ontario
Classification: Likely benign for Familial thoracic aortic aneurysm and aortic dissection. Last evaluated: 2016-09-07. Review status: criteria provided, single submitter. Criteria: ACMG Guidelines, 2015. Collection method: clinical testing. Allele origin: germline. Study: Canadian Open Genetics Repository.

Clinical Genetics DNA and cytogenetics Diagnostics Lab, Erasmus MC, Erasmus Medical Center
Classification: Likely benign. Review status: no assertion criteria provided. Collection method: clinical testing. Allele origin: germline. Affected: yes. Study: VKGL Data-share Consensus. Not counted in ClinVar's aggregate classification.

Genome Diagnostics Laboratory, Amsterdam University Medical Center
Classification: Likely benign. Review status: no assertion criteria provided. Collection method: clinical testing. Allele origin: germline. Affected: yes. Study: VKGL Data-share Consensus. Not counted in ClinVar's aggregate classification.

NM_000138.5(FBN1):c.2637C>T (p.Leu879=)

Gene: FBN1 (fibrillin 1; minus strand). Cytogenetic location: 15q21.1.
Variant type: single nucleotide variant.
Coding change: c.2637C>T on transcript NM_000138.5 (MANE Select); coding-DNA position 2637, C replaced by T.
Protein change: p.Leu879=; no amino-acid change (leucine 879 retained).
Molecular consequence: synonymous variant.
Genome position (GRCh38, 1-based): chr15:48,495,163, G>A on the plus strand (C>T on the coding strand, the complement: FBN1 is on the minus strand). VCF-style: chr15-48495163-G-A. GRCh37 (hg19) VCF-style: chr15-48787360-G-A.
Identifiers: ClinVar variation 626598 (VCV000626598.46), dbSNP rs202163602, ClinGen allele CA048272.